The following is an entry in ClinVar:

ClinVar aggregate classification (germline): Pathogenic (1 of 4 stars; one submission).

Conditions:
Primary ciliary dyskinesia. Also called: Ciliary dyskinesia. Identifiers: Orphanet 244, MedGen C0008780, MONDO:0016575, HP:0012265.

Submission:

Ambry Genetics
Classification: Pathogenic for Primary ciliary dyskinesia. Last evaluated: 2025-12-05. Review status: criteria provided, single submitter. Criteria: Ambry Variant Classification Scheme 2023. Collection method: clinical testing. Allele origin: germline.
Comment: The c.1915_1916delCAinsGGCCCG variant, located in coding exon 11 of the DNAH11 gene, results from the deletion of two nucleotides and insertion of 6 nucleotides causing a translational frameshift with a predicted alternate stop codon (p.Q639Gfs*27). This variant is considered to be rare based on population cohorts in the Genome Aggregation Database (gnomAD). This alteration is expected to result in loss of function by premature protein truncation or nonsense-mediated mRNA decay. As such, this alteration is interpreted as a disease-causing mutation.

NM_001277115.2(DNAH11):c.1915_1916delinsGGCCCG (p.Gln639fs)

Gene: DNAH11 (dynein axonemal heavy chain 11; plus strand). Cytogenetic location: 7p15.3.
Variant type: Indel.
Coding change: c.1915_1916delinsGGCCCG on transcript NM_001277115.2 (MANE Select); coding-DNA positions 1915 to 1916, CA replaced by GGCCCG.
Protein change: p.Gln639fs; shifts the reading frame from glutamine 639.
Molecular consequence: frameshift variant.
Genome position (GRCh38, 1-based): chr7:21,588,578-21,588,579, CA replaced by GGCCCG. VCF-style: chr7-21588578-CA-GGCCCG. GRCh37 (hg19) VCF-style: chr7-21628196-CA-GGCCCG.
Other names: short protein forms Q639fs.
Identifiers: ClinVar variation 4606796 (VCV004606796.1).
Genomic context (GRCh38, chr7:21,588,578, plus strand): 5'-TGTGGTCATGTAGTTCTTAACAAGAACATGCCATTTACCTCAGGAAATATGAAATGGGCC[CA>GGCCCG]GCAGGTTCTCCAACGACTTCAAATGTTTTGGTCAAACTTCGCATCTCTCCGTTATCTGTA-3'